The following is an entry in ClinVar:

ClinVar aggregate classification (germline): Conflicting classifications of pathogenicity. Review status: criteria provided, conflicting classifications (1 of 4 stars). 5 submissions from 5 submitters: Uncertain significance (4); Likely benign (1). Last evaluated 2025-12-20.

Conditions:
Cardiovascular phenotype. Identifiers: MedGen CN230736.
Hereditary cancer-predisposing syndrome. Also called: Hereditary Cancer Syndrome; Hereditary neoplastic syndrome; Tumor predisposition; Neoplastic Syndromes, Hereditary. Identifiers: Orphanet 140162, MedGen C0027672, MeSH D009386, MONDO:0015356.
Café-au-lait macules with pulmonary stenosis (WTSN). Also called: PULMONIC STENOSIS WITH CAFE-AU-LAIT SPOTS. Identifiers: MedGen C0553586, MONDO:0008672, OMIM 193520.
Juvenile myelomonocytic leukemia (JMML). Also called: LEUKEMIA, JUVENILE MYELOMONOCYTIC, SOMATIC. Identifiers: Orphanet 86834, MedGen C0349639, MONDO:0011908, OMIM 607785, HP:0012209.
Neurofibromatosis-Noonan syndrome (NFNS). Also called: NEUROFIBROMATOSIS WITH NOONAN PHENOTYPE. Identifiers: Orphanet 638, MedGen C2931482, MONDO:0011035, OMIM 601321. Disease mechanism: loss of function.
Neurofibromatosis, familial spinal (FSNF). Identifiers: Orphanet 636, MedGen C1834235, MONDO:0008078, OMIM 162210. Disease mechanism: loss of function.
Neurofibromatosis, type 1 (NF1). Also called: VON RECKLINGHAUSEN DISEASE; NEUROFIBROMATOSIS, TYPE I, SOMATIC; Peripheral type neurofibromatosis; Neurofibromatosis, type I. Identifiers: Orphanet 636, MedGen C0027831, MONDO:0018975, OMIM 162200. Disease mechanism: loss of function.

Allele frequency attached by ClinVar (database versions not stated): gnomAD exomes 0.00001.

Submissions (5):

Labcorp Genetics (formerly Invitae), Labcorp
Classification: Likely benign for Neurofibromatosis, type 1. Last evaluated: 2025-12-20. Review status: criteria provided, single submitter. Criteria: Invitae Variant Classification Sherloc (09022015). Collection method: clinical testing. Allele origin: germline.

Ambry Genetics
Classification: Uncertain significance for Cardiovascular phenotype; Hereditary cancer-predisposing syndrome. Last evaluated: 2024-09-12. Review status: criteria provided, single submitter. Criteria: Ambry Variant Classification Scheme 2023. Collection method: clinical testing. Allele origin: germline.
Comment: The p.M1260T variant (also known as c.3779T>C), located in coding exon 28 of the NF1 gene, results from a T to C substitution at nucleotide position 3779. The methionine at codon 1260 is replaced by threonine, an amino acid with similar properties. This amino acid position is highly conserved in available vertebrate species. In addition, this alteration is predicted to be deleterious by in silico analysis. Since supporting evidence is limited at this time, the clinical significance of this alteration remains unclear.

Baylor Genetics
Classification: Uncertain significance for Juvenile myelomonocytic leukemia. Last evaluated: 2023-05-02. Review status: criteria provided, single submitter. Criteria: ACMG Guidelines, 2015. Collection method: clinical testing. Allele origin: unknown.

Genome-Nilou Lab
Classification: Uncertain significance for Neurofibromatosis, type 1. Last evaluated: 2022-03-15. Review status: criteria provided, single submitter. Criteria: ACMG Guidelines, 2015. Collection method: clinical testing. Allele origin: germline. Affected: no.

Fulgent Genetics
Classification: Uncertain significance for Neurofibromatosis, type 1; Neurofibromatosis, familial spinal; Café-au-lait macules with pulmonary stenosis; Neurofibromatosis-Noonan syndrome; Juvenile myelomonocytic leukemia. Last evaluated: 2021-07-08. Review status: criteria provided, single submitter. Criteria: ACMG Guidelines, 2015. Collection method: clinical testing. Allele origin: unknown.

NM_001042492.3(NF1):c.3779T>C (p.Met1260Thr)

Gene: NF1 (neurofibromin 1; plus strand). Cytogenetic location: 17q11.2.
Variant type: single nucleotide variant.
Coding change: c.3779T>C on transcript NM_001042492.3 (MANE Select); coding-DNA position 3779, T replaced by C.
Protein change: p.Met1260Thr; replaces methionine 1260 with threonine.
Molecular consequence: missense variant.
Genome position (GRCh38, 1-based): chr17:31,235,681, T>C. VCF-style: chr17-31235681-T-C. GRCh37 (hg19) VCF-style: chr17-29562699-T-C.
Other names: c.3779T>C, p.Met1260Thr (NM_000267.4); short protein forms M1260T.
Identifiers: ClinVar variation 457668 (VCV000457668.17), dbSNP rs1555615463, ClinGen allele CA398992572.
Genomic context (GRCh38, chr17:31,235,681, plus strand): 5'-CTCGAGTTCTGGTTACTCTGTTTGATTCTCGGCATTTACTCTACCAACTGCTCTGGAACA[T>C]GTTTTCTAAAGAAGTAGAATTGGCAGACTCCATGCAGACTCTCTTCCGAGGCAACAGCTT-3'
Protein context (NP_001035957.1, residues 1250-1270): RHLLYQLLWN[Met1260Thr]FSKEVELADS